The following is an entry in ClinVar:

ClinVar aggregate classification (germline): Uncertain significance. Review status: criteria provided, multiple submitters, no conflicts (2 of 4 stars). 4 submissions from 4 submitters: Uncertain significance (4). Last evaluated 2025-11-21.

Conditions:
Charcot-Marie-Tooth disease type 2. Also called: Charcot-Marie-Tooth type 2. Identifiers: Orphanet 64746, MedGen C0270914, MONDO:0018993.
Charcot-Marie-Tooth disease type 2D (CMT2D). Also called: Charcot-Marie-Tooth Neuropathy Type 2D; GARS1 Adolescent- or Early Adult-Onset Hereditary Motor/Sensory Neuropathy (GARS1-HMSN); CHARCOT-MARIE-TOOTH DISEASE, AXONAL, TYPE 2D; CHARCOT-MARIE-TOOTH DISEASE, NEURONAL, TYPE 2D. Identifiers: Orphanet 99938, MedGen C1832274, MONDO:0011091, OMIM 601472.

Allele frequency attached by ClinVar (database versions not stated): gnomAD 0.00002; gnomAD exomes 0.00002 and 0.00006; TOPMed 0.00003; ExAC 0.00004.

Submissions (4):

Labcorp Genetics (formerly Invitae), Labcorp
Classification: Uncertain significance for Charcot-Marie-Tooth disease type 2. Last evaluated: 2025-11-21. Review status: criteria provided, single submitter. Criteria: Invitae Variant Classification Sherloc (09022015). Collection method: clinical testing. Allele origin: germline.
Comment: This sequence change replaces alanine, which is neutral and non-polar, with threonine, which is neutral and polar, at codon 38 of the GARS protein (p.Ala38Thr). The frequency data for this variant in the population databases is considered unreliable, as metrics indicate poor data quality at this position in the gnomAD database. This variant has not been reported in the literature in individuals affected with GARS-related conditions. ClinVar contains an entry for this variant (Variation ID: 573677). Invitae Evidence Modeling of protein sequence and biophysical properties (such as structural, functional, and spatial information, amino acid conservation, physicochemical variation, residue mobility, and thermodynamic stability) indicates that this missense variant is not expected to disrupt GARS protein function with a negative predictive value of 95%. In summary, the available evidence is currently insufficient to determine the role of this variant in disease. Therefore, it has been classified as a Variant of Uncertain Significance.

GeneDx
Classification: Uncertain significance. Last evaluated: 2025-05-20. Review status: criteria provided, single submitter. Criteria: GeneDx Variant Classification Process June 2021. Collection method: clinical testing. Allele origin: germline. Affected: yes.
Comment: In silico analysis suggests that this missense variant does not alter protein structure/function; Has not been previously published as pathogenic or benign to our knowledge

ARUP Laboratories, Molecular Genetics and Genomics, ARUP Laboratories
Classification: Uncertain significance. Last evaluated: 2022-09-20. Review status: criteria provided, single submitter. Criteria: ARUP Molecular Germline Variant Investigation Process 2021. Collection method: clinical testing. Allele origin: germline.
Comment: The GARS1 c.112G>A; p.Ala38Thr variant (rs759499740), to our knowledge, is not reported in the medical literature but is reported in ClinVar (Variation ID: 573677). This variant is only observed on four alleles in the Genome Aggregation Database, indicating it is not a common polymorphism. The alanine at codon 38 is weakly conserved, but computational analyses are uncertain whether this variant is neutral or deleterious (REVEL: 0.177). However, given the lack of clinical and functional data, the significance of this variant is uncertain at this time.

Department of Pathology and Laboratory Medicine, Sinai Health System
Classification: Uncertain significance for Charcot-Marie-Tooth disease type 2D. Last evaluated: 2021-10-08. Review status: criteria provided, single submitter. Criteria: ACMG Guidelines, 2015. Collection method: research. Allele origin: germline.

NM_002047.4(GARS1):c.112G>A (p.Ala38Thr)

Gene: GARS1 (glycyl-tRNA synthetase 1; plus strand). Cytogenetic location: 7p14.3.
Variant type: single nucleotide variant.
Coding change: c.112G>A on transcript NM_002047.4 (MANE Select); coding-DNA position 112, G replaced by A.
Protein change: p.Ala38Thr; replaces alanine 38 with threonine.
Molecular consequence: missense variant. On other transcripts: 5 prime UTR variant (1).
Genome position (GRCh38, 1-based): chr7:30,595,033, G>A. VCF-style: chr7-30595033-G-A. GRCh37 (hg19) VCF-style: chr7-30634649-G-A.
Other names: c.112G>A (LRG_243t1); c.-51G>A (NM_001316772.1); short protein forms A38T.
Identifiers: ClinVar variation 573677 (VCV000573677.14), dbSNP rs759499740, ClinGen allele CA4205590.